The following is an entry in ClinVar:

NM_018897.3(DNAH7):c.744-11_744-9del

Gene: DNAH7 (dynein axonemal heavy chain 7; minus strand). Cytogenetic location: 2q32.3.
Variant type: Deletion.
Coding change: c.744-11_744-9del on transcript NM_018897.3 (MANE Select); 11 bases into the intron before coding-DNA position 744 through 9 bases into the intron before coding-DNA position 744, 3 bases deleted (TTT; older notation c.744-11_744-9delTTT).
Molecular consequence: intron variant.
Genome position (GRCh38, 1-based): chr2:196,019,304-196,019,306, AAA deleted on the plus strand (TTT on the coding strand, the reverse complement: DNAH7 is on the minus strand). VCF-style (leftmost placement, unchanged base first): chr2-196019303-CAAA-C. GRCh37 (hg19) VCF-style: chr2-196884027-CAAA-C.
Identifiers: ClinVar variation 3050697 (VCV003050697.2), dbSNP rs554007568, ClinGen allele CA2036858.
Genomic context (GRCh38, chr2:196,019,303, plus strand): 5'-AACTGCTTGCAGCTAAAAAAGATTTCCTCCAAGGTTTTGGCAGAATTTCCATTCTGAAAA[CAAA>C]GAAAATATTTAGTTACAGTCTCAAAAAAAGTATTTTTATAGTAACTGTACATTTTGGGTA-3'

ClinVar aggregate classification (germline): Likely benign (0 of 4 stars; one submission).

Conditions:
DNAH7-related disorder. Also called: DNAH7-related condition.

Allele frequency attached by ClinVar (database versions not stated): gnomAD exomes 0.00004; ExAC 0.00023; gnomAD 0.00052; TOPMed 0.00067; ESP Exome Variant Server 0.00071; 1000 Genomes Project 0.00120.

Submission:

PreventionGenetics, part of Exact Sciences
Classification: Likely benign for DNAH7-related condition. Last evaluated: 2019-07-12. Review status: no assertion criteria provided. Collection method: clinical testing. Allele origin: germline.
Comment: This variant is classified as likely benign based on ACMG/AMP sequence variant interpretation guidelines (Richards et al. 2015 PMID: 25741868, with internal and published modifications).